The following is an entry in ClinVar:

NM_001128840.3(CACNA1D):c.1348C>T (p.Pro450Ser)

Gene: CACNA1D (calcium voltage-gated channel subunit alpha1 D; plus strand). Cytogenetic location: 3p21.1.
Variant type: single nucleotide variant.
Coding change: c.1348C>T on transcript NM_001128840.3 (MANE Select); coding-DNA position 1348, C replaced by T.
Protein change: p.Pro450Ser; replaces proline 450 with serine.
Molecular consequence: missense variant.
Genome position (GRCh38, 1-based): chr3:53,702,768, C>T. VCF-style: chr3-53702768-C-T. GRCh37 (hg19) VCF-style: chr3-53736795-C-T.
Other names: c.1348C>T, p.Pro450Ser (NM_000720.4, NM_001128839.3); short protein forms P450S.
Identifiers: ClinVar variation 2580510 (VCV002580510.1), dbSNP rs1470487886, ClinGen allele CA353384530.

ClinVar aggregate classification (germline): Uncertain significance (1 of 4 stars; one submission).

Submission:

GeneDx
Classification: Uncertain significance. Last evaluated: 2023-03-20. Review status: criteria provided, single submitter. Criteria: GeneDx Variant Classification Process June 2021. Collection method: clinical testing. Allele origin: germline. Affected: yes.
Comment: Not observed at significant frequency in large population cohorts (gnomAD); In silico analysis supports that this missense variant has a deleterious effect on protein structure/function; Has not been previously published as pathogenic or benign to our knowledge